The following is an entry in ClinVar:

NM_006031.6(PCNT):c.187C>G (p.Leu63Val)

Gene: PCNT (pericentrin; plus strand). Cytogenetic location: 21q22.3.
Variant type: single nucleotide variant.
Coding change: c.187C>G on transcript NM_006031.6 (MANE Select); coding-DNA position 187, C replaced by G.
Protein change: p.Leu63Val; replaces leucine 63 with valine.
Molecular consequence: missense variant. On other transcripts: 5 prime UTR variant (1).
Genome position (GRCh38, 1-based): chr21:46,326,509, C>G. VCF-style: chr21-46326509-C-G. GRCh37 (hg19) VCF-style: chr21-47746423-C-G.
Other names: c.-168C>G (NM_001315529.2); short protein forms L63V.
Identifiers: ClinVar variation 4833558 (VCV004833558.2).

ClinVar aggregate classification (germline): Uncertain significance. Review status: criteria provided, multiple submitters, no conflicts (2 of 4 stars). 2 submissions from 2 submitters: Uncertain significance (2). Last evaluated 2025-12-15.

Conditions:
PCNT-related disorder. Also called: PCNT-related condition.
Inborn genetic diseases. Identifiers: MedGen C0950123, MeSH D030342.

gnomAD v4.1: 4 of 1,614,082 alleles (0.00025%); highest among the groups gnomAD compares: African/African-American, 0.004%; no homozygotes.

Submissions (2):

Ambry Genetics
Classification: Uncertain significance for Inborn genetic diseases. Last evaluated: 2025-12-15. Review status: criteria provided, single submitter. Criteria: Ambry Variant Classification Scheme 2023. Collection method: clinical testing. Allele origin: germline.

PreventionGenetics, part of Exact Sciences
Classification: Uncertain significance for PCNT-related condition. Last evaluated: 2025-09-10. Review status: criteria provided, single submitter. Criteria: ACMG Guidelines, 2015. Collection method: clinical testing. Allele origin: germline.
Comment: The PCNT c.187C>G variant is predicted to result in the amino acid substitution p.Leu63Val. To our knowledge, this variant has not been reported in the literature. This variant is reported in 0.011% of alleles in individuals of African descent in gnomAD. At this time, the clinical significance of this variant is uncertain due to the absence of conclusive functional and genetic evidence.